The following is an entry in ClinVar:

NM_001845.6(COL4A1):c.1940C>T (p.Pro647Leu)

Gene: COL4A1 (collagen type IV alpha 1 chain; minus strand). Cytogenetic location: 13q34.
Variant type: single nucleotide variant.
Coding change: c.1940C>T on transcript NM_001845.6 (MANE Select); coding-DNA position 1940, C replaced by T.
Protein change: p.Pro647Leu; replaces proline 647 with leucine.
Molecular consequence: missense variant.
Genome position (GRCh38, 1-based): chr13:110,183,234, G>A on the plus strand (C>T on the coding strand, the complement: COL4A1 is on the minus strand). VCF-style: chr13-110183234-G-A. GRCh37 (hg19) VCF-style: chr13-110835581-G-A.
Other names: short protein forms P647L.
Identifiers: ClinVar variation 3719595 (VCV003719595.2).

ClinVar aggregate classification (germline): Uncertain significance (1 of 4 stars; one submission).

Submission:

Labcorp Genetics (formerly Invitae), Labcorp
Classification: Uncertain significance. Last evaluated: 2024-12-19. Review status: criteria provided, single submitter. Criteria: Invitae Variant Classification Sherloc (09022015). Collection method: clinical testing. Allele origin: germline.
Comment: This sequence change replaces proline, which is neutral and non-polar, with leucine, which is neutral and non-polar, at codon 647 of the COL4A1 protein (p.Pro647Leu). This variant is not present in population databases (gnomAD no frequency). This variant has not been reported in the literature in individuals affected with COL4A1-related conditions. Invitae Evidence Modeling of protein sequence and biophysical properties (such as structural, functional, and spatial information, amino acid conservation, physicochemical variation, residue mobility, and thermodynamic stability) indicates that this missense variant is not expected to disrupt COL4A1 protein function with a negative predictive value of 95%. In summary, the available evidence is currently insufficient to determine the role of this variant in disease. Therefore, it has been classified as a Variant of Uncertain Significance.